The following is an entry in ClinVar:

NM_058216.3(RAD51C):c.706-6A>G

Gene: RAD51C (RAD51 paralog C; plus strand). Cytogenetic location: 17q22.
Variant type: single nucleotide variant.
Coding change: c.706-6A>G on transcript NM_058216.3 (MANE Select); 6 bases into the intron before coding-DNA position 706, A replaced by G.
Molecular consequence: intron variant.
Genome position (GRCh38, 1-based): chr17:58,709,853, A>G. VCF-style: chr17-58709853-A-G. GRCh37 (hg19) VCF-style: chr17-56787214-A-G.
Other names: c.706-6A>G (LRG_314t1).
Identifiers: ClinVar variation 385603 (VCV000385603.15), dbSNP rs776931174, ClinGen allele CA8677322.

ClinVar aggregate classification (germline): Likely benign. Review status: criteria provided, multiple submitters, no conflicts (2 of 4 stars). 4 submissions from 4 submitters: Likely benign (4). Last evaluated 2025-12-19.

Conditions:
Hereditary cancer-predisposing syndrome. Also called: Neoplastic Syndromes, Hereditary; Hereditary neoplastic syndrome; Tumor predisposition; Hereditary Cancer Syndrome. Identifiers: Orphanet 140162, MedGen C0027672, MeSH D009386, MONDO:0015356.
Breast-ovarian cancer, familial, susceptibility to, 3. Also called: RAD51C-Related Breast/Ovarian Cancer. Identifiers: Orphanet 145, MedGen C3150659, MONDO:0013253, OMIM 613399.
Fanconi anemia complementation group O. Also called: RAD51C-Related Fanconi Anemia. Identifiers: Orphanet 84, MedGen C3150653, MONDO:0013248, OMIM 613390.

Allele frequency attached by ClinVar (database versions not stated): gnomAD exomes below 0.00001 and 0.00001; TOPMed 0.00001; ExAC 0.00002.
gnomAD v4.1: 1 of 1,601,682 alleles (0.000062%); highest among the groups gnomAD compares: Non-Finnish European, 0.000086%; no homozygotes.

Submissions (4):

Labcorp Genetics (formerly Invitae), Labcorp
Classification: Likely benign for Fanconi anemia complementation group O. Last evaluated: 2025-12-19. Review status: criteria provided, single submitter. Criteria: Invitae Variant Classification Sherloc (09022015). Collection method: clinical testing. Allele origin: germline.

Myriad Genetics, Inc.
Classification: Likely benign for Breast-ovarian cancer, familial, susceptibility to, 3. Last evaluated: 2025-02-18. Review status: criteria provided, single submitter. Criteria: Myriad Autosomal Dominant, Autosomal Recessive and X-Linked Classification Criteria (2023). Collection method: clinical testing. Allele origin: unknown.
Comment: This variant is considered likely benign. This variant is intronic and is not expected to impact mRNA splicing.

Color Diagnostics, LLC DBA Color Health
Classification: Likely benign for Hereditary cancer-predisposing syndrome. Last evaluated: 2020-02-21. Review status: criteria provided, single submitter. Criteria: ACMG Guidelines, 2015. Collection method: clinical testing. Allele origin: germline.

GeneDx
Classification: Likely benign. Last evaluated: 2017-12-05. Review status: criteria provided, single submitter. Criteria: GeneDx Variant Classification (06012015). Collection method: clinical testing. Allele origin: germline. Affected: yes.
Comment: This variant is considered likely benign or benign based on one or more of the following criteria: it is a conservative change, it occurs at a poorly conserved position in the protein, it is predicted to be benign by multiple in silico algorithms, and/or has population frequency not consistent with disease.